The following is an entry in ClinVar:

NM_053025.4(MYLK):c.314C>A (p.Thr105Asn)

Gene: MYLK (myosin light chain kinase; minus strand). Cytogenetic location: 3q21.1.
Variant type: single nucleotide variant.
Coding change: c.314C>A on transcript NM_053025.4 (MANE Select); coding-DNA position 314, C replaced by A.
Protein change: p.Thr105Asn; replaces threonine 105 with asparagine.
Molecular consequence: missense variant. On other transcripts: intron variant (1).
Genome position (GRCh38, 1-based): chr3:123,752,390, G>T on the plus strand (C>A on the coding strand, the complement: MYLK is on the minus strand). VCF-style: chr3-123752390-G-T. GRCh37 (hg19) VCF-style: chr3-123471237-G-T.
Other names: c.314C>A, p.Thr105Asn (NM_053026.4, NM_053027.4, NM_053028.4); c.-155-12389C>A (NM_001321309.2); short protein forms T105N.
Identifiers: ClinVar variation 3401081 (VCV003401081.2).
Genomic context (GRCh38, chr3:123,752,390, plus strand): 5'-CCTTCTACTGTCAACTCCACTGTCACCTGGCGAGCACCACTGCCATTGGTGGCTTCACAG[G>T]TATACTTTCCCCTGTCCTCCTCATGGACAGCATGAATCACAAGGCTGAAAGTCCCCCGGA-3'
Protein context (NP_444253.3, residues 95-115): AVHEEDRGKY[Thr105Asn]CEATNGSGAR

ClinVar aggregate classification (germline): Uncertain significance. Review status: criteria provided, multiple submitters, no conflicts (2 of 4 stars). 2 submissions from 2 submitters: Uncertain significance (2). Last evaluated 2025-05-26.

Conditions:
Aortic aneurysm, familial thoracic 7 (AAT7). Also called: AORTIC DISSECTION, FAMILIAL, WITH OR WITHOUT AORTIC ANEURYSM. Identifiers: MedGen C3151077, MONDO:0013418, OMIM 613780.
Familial thoracic aortic aneurysm and aortic dissection (TAAD). Also called: Thoracic aortic aneurysms and dissections. Identifiers: Orphanet 91387, MedGen C4707243, MONDO:0019625.

gnomAD v4.1: 4 of 1,614,042 alleles (0.00025%); highest among the groups gnomAD compares: African/African-American, 0.0053%; no homozygotes.

Submissions (2):

Labcorp Genetics (formerly Invitae), Labcorp
Classification: Uncertain significance for Aortic aneurysm, familial thoracic 7. Last evaluated: 2025-05-26. Review status: criteria provided, single submitter. Criteria: Invitae Variant Classification Sherloc (09022015). Collection method: clinical testing. Allele origin: germline.
Comment: This sequence change replaces threonine, which is neutral and polar, with asparagine, which is neutral and polar, at codon 105 of the MYLK protein (p.Thr105Asn). This variant is present in population databases (rs765013146, gnomAD 0.007%). This variant has not been reported in the literature in individuals affected with MYLK-related conditions. ClinVar contains an entry for this variant (Variation ID: 3401081). Invitae Evidence Modeling of protein sequence and biophysical properties (such as structural, functional, and spatial information, amino acid conservation, physicochemical variation, residue mobility, and thermodynamic stability) indicates that this missense variant is not expected to disrupt MYLK protein function with a negative predictive value of 95%. In summary, the available evidence is currently insufficient to determine the role of this variant in disease. Therefore, it has been classified as a Variant of Uncertain Significance.

Ambry Genetics
Classification: Uncertain significance for Familial thoracic aortic aneurysm and aortic dissection. Last evaluated: 2024-06-28. Review status: criteria provided, single submitter. Criteria: Ambry Variant Classification Scheme 2023. Collection method: clinical testing. Allele origin: germline.
Comment: The p.T105N variant (also known as c.314C>A), located in coding exon 2 of the MYLK gene, results from a C to A substitution at nucleotide position 314. The threonine at codon 105 is replaced by asparagine, an amino acid with similar properties. This amino acid position is conserved. In addition, this alteration is predicted to be tolerated by in silico analysis. Based on the available evidence, the clinical significance of this variant remains unclear.